The following is an entry in ClinVar:

NM_003000.3(SDHB):c.252C>A (p.Asp84Glu)

Gene: SDHB (succinate dehydrogenase complex iron sulfur subunit B; minus strand). Cytogenetic location: 1p36.13.
Variant type: single nucleotide variant.
Coding change: c.252C>A on transcript NM_003000.3 (MANE Select); coding-DNA position 252, C replaced by A.
Protein change: p.Asp84Glu; replaces aspartic acid 84 with glutamic acid.
Molecular consequence: missense variant.
Genome position (GRCh38, 1-based): chr1:17,033,094, G>T on the plus strand (C>A on the coding strand, the complement: SDHB is on the minus strand). VCF-style: chr1-17033094-G-T. GRCh37 (hg19) VCF-style: chr1-17359589-G-T.
Other names: c.252C>A (NM_003000.2); short protein forms D84E.
Identifiers: ClinVar variation 1042349 (VCV001042349.8), dbSNP rs1427902008, ClinGen allele CA338276505.

ClinVar aggregate classification (germline): Uncertain significance. Review status: criteria provided, multiple submitters, no conflicts (2 of 4 stars). 2 submissions from 2 submitters: Uncertain significance (2). Last evaluated 2026-07-23.

Conditions:
Hereditary cancer-predisposing syndrome. Also called: Tumor predisposition; Hereditary Cancer Syndrome; Hereditary neoplastic syndrome; Neoplastic Syndromes, Hereditary. Identifiers: Orphanet 140162, MedGen C0027672, MeSH D009386, MONDO:0015356.
Pheochromocytoma/paraganglioma syndrome 4. Also called: PARAGANGLIOMA, FAMILIAL MALIGNANT; PARAGANGLIOMAS, HEREDITARY EXTRAADRENAL; PHEOCHROMOCYTOMA, FAMILIAL EXTRAADRENAL; SDHB-Related Hereditary Paraganglioma-Pheochromocytoma Syndrome (Paragangliomas 4); Paragangliomas 4; CAROTID BODY TUMORS AND MULTIPLE EXTRAADRENAL PHEOCHROMOCYTOMAS. Identifiers: Orphanet 29072, MedGen C1861848, MONDO:0007273, OMIM 115310.
Gastrointestinal stromal tumor. Also called: Gastrointestinal stromal tumor, somatic; Gastrointestinal stroma tumor. Identifiers: Orphanet 44890, MedGen C0238198, MeSH D046152, MONDO:0011719, OMIM 606764, HP:0100723.
Pheochromocytoma. Also called: MAX-Related Hereditary Paraganglioma-Pheochromocytoma Syndrome. Identifiers: Orphanet 29072, MedGen C0031511, MONDO:0008233, OMIM 171300, HP:0002666.

Allele frequency attached by ClinVar (database versions not stated): gnomAD exomes below 0.00001.

Submissions (2):

Ambry Genetics
Classification: Uncertain significance for Hereditary cancer-predisposing syndrome. Last evaluated: 2026-07-23. Review status: criteria provided, single submitter. Criteria: Ambry Variant Classification Scheme 2023. Collection method: clinical testing. Allele origin: germline.
Comment: The p.D84E variant (also known as c.252C>A), located in coding exon 3 of the SDHB gene, results from a C to A substitution at nucleotide position 252. The aspartic acid at codon 84 is replaced by glutamic acid, an amino acid with highly similar properties. This variant was reported in individual(s) with features consistent with SDHB-related hereditary pheochromocytoma-paraganglioma (S&aacute;nta F et al. Virchows Arch, 2024 Dec;485:1167-1173). This amino acid position is conserved. In addition, this alteration is predicted to be deleterious by in silico analysis. Based on the available evidence, the clinical significance of this variant remains unclear.

Labcorp Genetics (formerly Invitae), Labcorp
Classification: Uncertain significance for Gastrointestinal stromal tumor; Pheochromocytoma/paraganglioma syndrome 4; Pheochromocytoma. Last evaluated: 2023-12-18. Review status: criteria provided, single submitter. Criteria: Invitae Variant Classification Sherloc (09022015). Collection method: clinical testing. Allele origin: germline.
Comment: This sequence change replaces aspartic acid, which is acidic and polar, with glutamic acid, which is acidic and polar, at codon 84 of the SDHB protein (p.Asp84Glu). This variant is present in population databases (no rsID available, gnomAD 0.0009%). This variant has not been reported in the literature in individuals affected with SDHB-related conditions. ClinVar contains an entry for this variant (Variation ID: 1042349). Advanced modeling of protein sequence and biophysical properties (such as structural, functional, and spatial information, amino acid conservation, physicochemical variation, residue mobility, and thermodynamic stability) performed at Invitae indicates that this missense variant is expected to disrupt SDHB protein function with a positive predictive value of 80%. In summary, the available evidence is currently insufficient to determine the role of this variant in disease. Therefore, it has been classified as a Variant of Uncertain Significance.

Literature cited by the submitters: PubMed 39562336 (cited by Ambry Genetics).